The following is an entry in ClinVar:

ClinVar aggregate classification (germline): Likely benign. Review status: criteria provided, multiple submitters, no conflicts (2 of 4 stars). 2 submissions from 2 submitters: Likely benign (2). Last evaluated 2024-05-01.

Conditions:
Fanconi anemia (FA). Also called: Fanconi's anemia. Identifiers: Orphanet 84, MedGen C0015625, MeSH D005199, MONDO:0019391.

Allele frequency attached by ClinVar (database versions not stated): TOPMed below 0.00001; ExAC 0.00001.
gnomAD v4.1: 2 of 1,614,224 alleles (0.00012%); highest among the groups gnomAD compares: Non-Finnish European, 0.00017%; no homozygotes.

Submissions (2):

CeGaT Center for Human Genetics Tuebingen
Classification: Likely benign. Last evaluated: 2024-05-01. Review status: criteria provided, single submitter. Criteria: CeGaT Center For Human Genetics Tuebingen Variant Classification Criteria Version 2. Collection method: clinical testing. Allele origin: germline. Affected: yes. Observed: 1 variant allele.
Comment: FANCI: BP4, BP7

Labcorp Genetics (formerly Invitae), Labcorp
Classification: Likely benign for Fanconi anemia. Last evaluated: 2024-02-05. Review status: criteria provided, single submitter. Criteria: Invitae Variant Classification Sherloc (09022015). Collection method: clinical testing. Allele origin: germline.

NM_001113378.2(FANCI):c.3412C>T (p.Leu1138=)

Gene: FANCI (FA complementation group I; plus strand). Cytogenetic location: 15q26.1.
Variant type: single nucleotide variant.
Coding change: c.3412C>T on transcript NM_001113378.2 (MANE Select); coding-DNA position 3412, C replaced by T.
Protein change: p.Leu1138=; no amino-acid change (leucine 1138 retained).
Molecular consequence: synonymous variant.
Genome position (GRCh38, 1-based): chr15:89,306,069, C>T. VCF-style: chr15-89306069-C-T. GRCh37 (hg19) VCF-style: chr15-89849300-C-T.
Other names: c.3133C>T, p.Leu1045= (NM_001376910.1); c.3412C>T, p.Leu1138= (NM_001376911.1); c.3232C>T, p.Leu1078= (NM_018193.3).
Identifiers: ClinVar variation 3239264 (VCV003239264.21), dbSNP rs750518034.